The following is an entry in ClinVar:

NM_001355436.2(SPTB):c.3082C>T (p.Gln1028Ter)

Gene: SPTB (spectrin beta, erythrocytic; minus strand). Cytogenetic location: 14q23.3.
Variant type: single nucleotide variant.
Coding change: c.3082C>T on transcript NM_001355436.2 (MANE Select); coding-DNA position 3082, C replaced by T.
Protein change: p.Gln1028Ter; replaces glutamine 1028 with a stop codon.
Molecular consequence: nonsense.
Genome position (GRCh38, 1-based): chr14:64,786,883, G>A on the plus strand (C>T on the coding strand, the complement: SPTB is on the minus strand). VCF-style: chr14-64786883-G-A. GRCh37 (hg19) VCF-style: chr14-65253601-G-A.
Other names: c.3082C>T, p.Gln1028Ter (NM_001024858.4, NM_001355437.2); short protein forms Q1028*.
Identifiers: ClinVar variation 1705677 (VCV001705677.2), dbSNP rs2503130656, ClinGen allele CA390047282.
Genomic context (GRCh38, chr14:64,786,883, plus strand): 5'-GCTGCAGGCCCTGCCACAGCTCCTCCAAGTGTTTTTGCCGCTGACCAATATCCTCCTTCT[G>A]CTCAGGGTGCGAGTCCATCAGCTGCTGGGACTCACGCTCCAGGGCATCCACACGGGCCTG-3'

ClinVar aggregate classification (germline): Likely pathogenic. Review status: criteria provided, multiple submitters, no conflicts (2 of 4 stars). 2 submissions from 2 submitters: Likely pathogenic (2). Last evaluated 2022-09-01.

Conditions:
SPTB-related disorder. Also called: SPTB-Related Disorders; SPTB-related condition.
Hereditary spherocytosis type 2. Also called: SPHEROCYTOSIS, TYPE 2, AUTOSOMAL DOMINANT. Identifiers: Orphanet 822, MedGen C2674219, MONDO:0000913, OMIM 616649.

Submissions (2):

3billion
Classification: Likely pathogenic for Hereditary spherocytosis type 2. Last evaluated: 2022-09-01. Review status: criteria provided, single submitter. Criteria: ACMG Guidelines, 2015. Collection method: clinical testing. Allele origin: germline. Affected: yes. Observed: 1 heterozygote.
Comment: The variant is not observed in the gnomAD v2.1.1 dataset. Stop-gained (nonsense) is predicted to result in a loss or disruption of normal protein function through nonsense-mediated decay (NMD) or protein truncation. Multiple pathogenic variants are reported downstream of the variant. Therefore, this variant is classified as Likely pathogenic according to the recommendation of ACMG/AMP guideline.

Blueprint Genetics
Classification: Likely pathogenic for SPTB-related disorders. Last evaluated: 2019-11-19. Review status: criteria provided, single submitter. Criteria: ACMG Guidelines, 2015. Collection method: clinical testing. Allele origin: germline. Affected: yes. Observed: 1 variant allele.